The following is an entry in ClinVar:

ClinVar aggregate classification (germline): Pathogenic/Likely pathogenic. Review status: criteria provided, multiple submitters, no conflicts (2 of 4 stars). 2 submissions from 2 submitters: Pathogenic (1); Likely pathogenic (1). Last evaluated 2024-05-13.

Conditions:
Neurodevelopmental disorder. Identifiers: MedGen C1535926, MeSH D065886, MONDO:0700092.

Submissions (2):

GeneDx
Classification: Pathogenic. Last evaluated: 2024-05-13. Review status: criteria provided, single submitter. Criteria: GeneDx Variant Classification Process June 2021. Collection method: clinical testing. Allele origin: germline. Affected: yes.
Comment: Not observed at significant frequency in large population cohorts (gnomAD); In-frame deletion of 2 amino acids in a non-repeat region; In silico analysis supports a deleterious effect on protein structure/function; This variant is associated with the following publications: (PMID: 35982160, 35982159, 34345025, 25363768)

Laboratory of Molecular Genetics (Pr. Bezieau's lab), CHU de Nantes
Classification: Likely pathogenic for Neurodevelopmental disorder. Last evaluated: 2020-04-06. Review status: criteria provided, single submitter. Criteria: ACMG Guidelines, 2015. Collection method: clinical testing. Allele origin: germline. Affected: yes.

NM_001353345.2(SETD1B):c.5824_5829del (p.Asp1942_Tyr1943del)

Gene: SETD1B (SET domain containing 1B, histone lysine methyltransferase; plus strand). Cytogenetic location: 12q24.31.
Variant type: Deletion.
Coding change: c.5824_5829del on transcript NM_001353345.2 (MANE Select); coding-DNA positions 5824 to 5829, 6 bases deleted (GACTAT; older notation c.5824_5829delGACTAT).
Protein change: p.Asp1942_Tyr1943del.
Molecular consequence: inframe deletion.
Genome position (GRCh38, 1-based): chr12:121,830,162-121,830,167, GACTAT deleted; deleting any 6 consecutive bases within chr12:121,830,158-121,830,167 gives the same sequence; the c. name uses the placement nearest the transcript's 3' end. VCF-style (leftmost placement, unchanged base first): chr12-121830157-CCTATGA-C. GRCh37 (hg19) VCF-style: chr12-122268063-CCTATGA-C.
Identifiers: ClinVar variation 1064763 (VCV001064763.2), dbSNP rs1877025777, ClinGen allele CA2068078412.